The following is an entry in ClinVar:

NM_022051.3(EGLN1):c.221_224dup (p.Gly76fs)

Gene: EGLN1 (egl-9 family hypoxia inducible factor 1; minus strand). Cytogenetic location: 1q42.2.
Variant type: Duplication.
Coding change: c.221_224dup on transcript NM_022051.3 (MANE Select); coding-DNA positions 221 to 224, 4 bases duplicated (ATTC; older notation c.221_224dupATTC).
Protein change: p.Gly76fs; shifts the reading frame from glycine 76.
Molecular consequence: frameshift variant.
Genome position (GRCh38, 1-based): chr1:231,421,665-231,421,668, GAAT duplicated on the plus strand (ATTC on the coding strand, the reverse complement: EGLN1 is on the minus strand); duplicating any 4 consecutive bases within chr1:231,421,665-231,421,669 gives the same sequence; the c. name uses the placement nearest the transcript's 3' end. VCF-style (leftmost placement, unchanged base first): chr1-231421664-G-GGAAT. GRCh37 (hg19) VCF-style: chr1-231557410-G-GGAAT.
Other names: c.221_224dup, p.Gly76fs (NM_001377260.1, NM_001377261.1); short protein forms G76fs.
Identifiers: ClinVar variation 5035853 (VCV005035853.1).

ClinVar aggregate classification (germline): Uncertain significance (1 of 4 stars; one submission).

Submission:

Ambry Genetics
Classification: Uncertain significance. Last evaluated: 2026-07-08. Review status: criteria provided, single submitter. Criteria: Ambry Variant Classification Scheme 2023. Collection method: clinical testing. Allele origin: germline.
Comment: The c.221_224dupATTC variant, located in coding exon 1 of the EGLN1 gene, results from a duplication of ATTC at nucleotide position 221, causing a translational frameshift with a predicted alternate stop codon (p.G76Ffs*172). The evidence for this gene-disease relationship is limited; therefore, the clinical significance of this variant is unclear.